The following is an entry in ClinVar:

NM_000257.4(MYH7):c.1920A>C (p.Lys640Asn)

Gene: MYH7 (myosin heavy chain 7; minus strand). Cytogenetic location: 14q11.2.
Variant type: single nucleotide variant.
Coding change: c.1920A>C on transcript NM_000257.4 (MANE Select); coding-DNA position 1920, A replaced by C.
Protein change: p.Lys640Asn; replaces lysine 640 with asparagine.
Molecular consequence: missense variant.
Genome position (GRCh38, 1-based): chr14:23,427,276, T>G on the plus strand (A>C on the coding strand, the complement: MYH7 is on the minus strand). VCF-style: chr14-23427276-T-G. GRCh37 (hg19) VCF-style: chr14-23896485-T-G.
Other names: c.1920A>C, p.Lys640Asn (NM_001407004.1); short protein forms K640N.
Identifiers: ClinVar variation 2129182 (VCV002129182.4), dbSNP rs2502294883, ClinGen allele CA389049532.

ClinVar aggregate classification (germline): Uncertain significance (1 of 4 stars; one submission).

Conditions:
Hypertrophic cardiomyopathy. Also called: HYPERTROPHIC MYOCARDIOPATHY. Identifiers: Orphanet 217569, MedGen C0007194, MeSH D002312, MONDO:0005045, HP:0001639.

Submission:

Labcorp Genetics (formerly Invitae), Labcorp
Classification: Uncertain significance for Hypertrophic cardiomyopathy. Last evaluated: 2022-04-22. Review status: criteria provided, single submitter. Criteria: Invitae Variant Classification Sherloc (09022015). Collection method: clinical testing. Allele origin: germline.
Comment: This sequence change replaces lysine, which is basic and polar, with asparagine, which is neutral and polar, at codon 640 of the MYH7 protein (p.Lys640Asn). This variant is not present in population databases (gnomAD no frequency). This variant has not been reported in the literature in individuals affected with MYH7-related conditions. Algorithms developed to predict the effect of missense changes on protein structure and function (SIFT, PolyPhen-2, Align-GVGD) all suggest that this variant is likely to be disruptive. This variant is found within a region of MYH7 between codons 181 and 937 that contains the majority of the myosin head domain. Missense variants in this region have been shown to be significantly overrepresented in individuals with hypertrophic cardiomyopathy (PMID: 27532257). In summary, the available evidence is currently insufficient to determine the role of this variant in disease. Therefore, it has been classified as a Variant of Uncertain Significance.

Literature cited by the submitters: PubMed 27532257.